The following is an entry in ClinVar:

NM_001868.4(CPA1):c.1108A>G (p.Ser370Gly)

Gene: CPA1 (carboxypeptidase A1; plus strand). Cytogenetic location: 7q32.2.
Variant type: single nucleotide variant.
Coding change: c.1108A>G on transcript NM_001868.4 (MANE Select); coding-DNA position 1108, A replaced by G.
Protein change: p.Ser370Gly; replaces serine 370 with glycine.
Molecular consequence: missense variant.
Genome position (GRCh38, 1-based): chr7:130,387,859, A>G. VCF-style: chr7-130387859-A-G. GRCh37 (hg19) VCF-style: chr7-130027700-A-G.
Other names: short protein forms S370G.
Identifiers: ClinVar variation 5034905 (VCV005034905.1).
Genomic context (GRCh38, chr7:130,387,859, plus strand): 5'-CTCTCCTATTTTACTCCTGCCCCAGATCAAGCCAGTGGAAGCACTATTGACTGGACCTAC[A>G]GCCAGGGCATCAAGTACTCCTTCACCTTCGAGCTCCGGGACACTGGGCGCTATGGCTTCC-3'
Protein context (NP_001859.1, residues 360-380): ASGSTIDWTY[Ser370Gly]QGIKYSFTFE

ClinVar aggregate classification (germline): Uncertain significance (1 of 4 stars; one submission).

Conditions:
Hereditary pancreatitis (PCTT). Also called: Hereditary chronic pancreatitis; PRSS1-Related Hereditary Pancreatitis. Identifiers: Orphanet 676, MedGen C0238339, MONDO:0008185, OMIM 167800.

gnomAD v4.1: 1 of 1,614,186 alleles (0.000062%); highest among the groups gnomAD compares: Non-Finnish European, 0.000085%; no homozygotes.

Submission:

Ambry Genetics
Classification: Uncertain significance for Hereditary pancreatitis. Last evaluated: 2026-06-26. Review status: criteria provided, single submitter. Criteria: Ambry Variant Classification Scheme 2023. Collection method: clinical testing. Allele origin: germline.
Comment: The p.S370G variant (also known as c.1108A>G), located in coding exon 10 of the CPA1 gene, results from an A to G substitution at nucleotide position 1108. The serine at codon 370 is replaced by glycine, an amino acid with similar properties. This amino acid position is conserved. In addition, this alteration is predicted to be tolerated by in silico analysis. Based on the available evidence, the clinical significance of this variant remains unclear.